The following is an entry in ClinVar:

NC_000011.10:g.102798499A>G

Gene: MMP1 (matrix metallopeptidase 1; minus strand). Cytogenetic location: 11q22.2.
Variant type: single nucleotide variant.
Genome position: GRCh38 VCF-style: chr11-102798499-A-G. GRCh37 (hg19) VCF-style: chr11-102669230-A-G.
Identifiers: ClinVar variation 1266190 (VCV001266190.3), dbSNP rs514921, ClinGen allele CA13394799.

ClinVar aggregate classification (germline): Benign (1 of 4 stars; one submission).

Allele frequency attached by ClinVar (database versions not stated): 1000 Genomes Project 0.22484; 1000 Genomes Project 30x 0.22673; TOPMed 0.24061; gnomAD 0.24206 and 0.24299.

Submission:

GeneDx
Classification: Benign. Last evaluated: 2021-06-19. Review status: criteria provided, single submitter. Criteria: GeneDx Variant Classification Process June 2021. Collection method: clinical testing. Allele origin: germline. Affected: yes.
Comment: This variant is associated with the following publications: (PMID: 21964541)